The following is an entry in ClinVar:

NM_024675.4(PALB2):c.130A>G (p.Ile44Val)

Gene: PALB2 (partner and localizer of BRCA2; minus strand). Cytogenetic location: 16p12.2.
Variant type: single nucleotide variant.
Coding change: c.130A>G on transcript NM_024675.4 (MANE Select); coding-DNA position 130, A replaced by G.
Protein change: p.Ile44Val; replaces isoleucine 44 with valine.
Molecular consequence: missense variant.
Genome position (GRCh38, 1-based): chr16:23,637,931, T>C on the plus strand (A>G on the coding strand, the complement: PALB2 is on the minus strand). VCF-style: chr16-23637931-T-C. GRCh37 (hg19) VCF-style: chr16-23649252-T-C.
Other names: c.70A>G, p.Ile24Val (NM_001407296.1); c.130A>G, p.Ile44Val (NM_001407297.1, NM_001407298.1, NM_001407299.1 and 3 more transcripts); c.-756A>G (NM_001407304.1, NM_001407305.1, NM_001407306.1 and 5 more transcripts); short protein forms I44V, I24V.
Identifiers: ClinVar variation 1964731 (VCV001964731.5), dbSNP rs2506535892, ClinGen allele CA395139367.
Genomic context (GRCh38, chr16:23,637,931, plus strand): 5'-AGAGATCCTGCTGAGACAAACAATCTTGTTCTTCTACTGTTTTCTTAATAGAATGCTTAA[T>C]CTTTTCAGCTCTTTGGGCACGCTAGAGGAGACAAAAACAGCCCCAGAAATACGTTTTCTT-3'
Protein context (NP_078951.2, residues 34-54): RLQRAQRAEK[Ile44Val]KHSIKKTVEE

ClinVar aggregate classification (germline): Uncertain significance (1 of 4 stars; one submission).

Conditions:
Familial cancer of breast. Also called: hereditary breast carcinoma; BREAST CANCER, FAMILIAL; Hereditary breast cancer. Identifiers: Orphanet 227535, MedGen C0346153, MONDO:0016419, OMIM 114480. Disease mechanism: loss of function.

Submission:

Labcorp Genetics (formerly Invitae), Labcorp
Classification: Uncertain significance for Familial cancer of breast. Last evaluated: 2022-03-04. Review status: criteria provided, single submitter. Criteria: Invitae Variant Classification Sherloc (09022015). Collection method: clinical testing. Allele origin: germline.
Comment: This variant has not been reported in the literature in individuals affected with PALB2-related conditions. This sequence change replaces isoleucine, which is neutral and non-polar, with valine, which is neutral and non-polar, at codon 44 of the PALB2 protein (p.Ile44Val). This variant is not present in population databases (gnomAD no frequency). Algorithms developed to predict the effect of missense changes on protein structure and function output the following: SIFT: "Tolerated"; PolyPhen-2: "Benign"; Align-GVGD: "Class C0". The valine amino acid residue is found in multiple mammalian species, which suggests that this missense change does not adversely affect protein function. In summary, the available evidence is currently insufficient to determine the role of this variant in disease. Therefore, it has been classified as a Variant of Uncertain Significance.